The following is an entry in ClinVar:

ClinVar aggregate classification (germline): Likely benign. Review status: criteria provided, multiple submitters, no conflicts (2 of 4 stars). 2 submissions from 2 submitters: Likely benign (2). Last evaluated 2024-01-27.

Conditions:
Hereditary spastic paraplegia 49 (HSAN9). Also called: NEUROPATHY, HEREDITARY SENSORY AND AUTONOMIC, TYPE IX, WITH DEVELOPMENTAL DELAY; TECPR2-Related Hereditary Sensory and Autonomic Neuropathy with Intellectual Disability; Spastic paraplegia 49, autosomal recessive. Identifiers: Orphanet 320385, MedGen C5190860, MONDO:0014016, OMIM 615031.

Allele frequency attached by ClinVar (database versions not stated): gnomAD exomes 0.00001 and 0.00003; gnomAD 0.00002; ExAC 0.00003; TOPMed 0.00003.
gnomAD v4.1: 15 of 1,602,126 alleles (0.00094%); highest among the groups gnomAD compares: African/African-American, 0.0081%; no homozygotes.

Submissions (2):

Labcorp Genetics (formerly Invitae), Labcorp
Classification: Likely benign for Hereditary spastic paraplegia 49. Last evaluated: 2024-01-27. Review status: criteria provided, single submitter. Criteria: Invitae Variant Classification Sherloc (09022015). Collection method: clinical testing. Allele origin: germline.

GeneDx
Classification: Likely benign. Last evaluated: 2017-12-29. Review status: criteria provided, single submitter. Criteria: GeneDx Variant Classification (06012015). Collection method: clinical testing. Allele origin: germline. Affected: yes.
Comment: This variant is considered likely benign or benign based on one or more of the following criteria: it is a conservative change, it occurs at a poorly conserved position in the protein, it is predicted to be benign by multiple in silico algorithms, and/or has population frequency not consistent with disease.

NM_014844.5(TECPR2):c.348+11A>G

Gene: TECPR2 (tectonin beta-propeller repeat containing 2; plus strand). Cytogenetic location: 14q32.31.
Variant type: single nucleotide variant.
Coding change: c.348+11A>G on transcript NM_014844.5 (MANE Select); 11 bases into the intron after coding-DNA position 348, A replaced by G.
Molecular consequence: intron variant.
Genome position (GRCh38, 1-based): chr14:102,407,477, A>G. VCF-style: chr14-102407477-A-G. GRCh37 (hg19) VCF-style: chr14-102873814-A-G.
Other names: c.348+11A>G (NM_001172631.3).
Identifiers: ClinVar variation 514412 (VCV000514412.4), dbSNP rs750080249, ClinGen allele CA7357412.
Genomic context (GRCh38, chr14:102,407,477, plus strand): 5'-GGGTTGCAGTTTTTCAACTTGTATCTTCATTGCCAGGGAGAAATAAACAGGTGAGTACTC[A>G]TGATCTTAACACGTGTTAACTTCTTGGCACATTCCTCATGGATTTTTAAAATTAGAAATC-3'